The following is an entry in ClinVar:

NM_006254.4(PRKCD):c.1873-3T>C

Genes: PRKCD (protein kinase C delta; plus strand), LOC129936899 (ATAC-STARR-seq lymphoblastoid active region 19967; plus strand). Cytogenetic location: 3p21.1.
Variant type: single nucleotide variant.
Coding change: c.1873-3T>C on transcript NM_006254.4 (MANE Select); 3 bases into the intron before coding-DNA position 1873, T replaced by C.
Molecular consequence: intron variant.
Genome position (GRCh38, 1-based): chr3:53,192,105, T>C. VCF-style: chr3-53192105-T-C. GRCh37 (hg19) VCF-style: chr3-53226121-T-C.
Other names: c.1873-3T>C (NM_001354680.2, NM_001354679.2, NM_212539.2 and 1 more transcripts); c.1930-3T>C (NM_001354676.2); c.1921-3T>C (NM_001354678.2).
Identifiers: ClinVar variation 1009655 (VCV001009655.5), dbSNP rs1703944773, ClinGen allele CA1365206883.
Genomic context (GRCh38, chr3:53,192,105, plus strand): 5'-CCTGGGGTGTCTGGAGGGCCATTCCCTAGGTCCTGTTCGCTCACCCCTGCCCTCTGCTTG[T>C]AGAAGTCACCCAGAGACTACAGTAACTTTGACCAGGAGTTCCTGAACGAGAAGGCGCGCC-3'

ClinVar aggregate classification (germline): Uncertain significance (1 of 4 stars; one submission).

Conditions:
Autoimmune lymphoproliferative syndrome, type III caused by mutation in PRKCD. Identifiers: Orphanet 3261, Orphanet 664711, MedGen C3809928, MONDO:8000024, OMIM 615559.

Allele frequency attached by ClinVar (database versions not stated): gnomAD exomes below 0.00001.
gnomAD v4.1: 1 of 1,613,934 alleles (0.000062%); highest among the groups gnomAD compares: Non-Finnish European, 0.000085%; no homozygotes.

Submission:

Labcorp Genetics (formerly Invitae), Labcorp
Classification: Uncertain significance for Autoimmune lymphoproliferative syndrome, type III caused by mutation in PRKCD. Last evaluated: 2020-12-11. Review status: criteria provided, single submitter. Criteria: Invitae Variant Classification Sherloc (09022015). Collection method: clinical testing. Allele origin: germline.
Comment: This variant is not present in population databases (ExAC no frequency). This sequence change falls in intron 18 of the PRKCD gene. It does not directly change the encoded amino acid sequence of the PRKCD protein, but it affects a nucleotide within the consensus splice site of the intron. This variant has not been reported in the literature in individuals with PRKCD-related conditions. In summary, the available evidence is currently insufficient to determine the role of this variant in disease. Therefore, it has been classified as a Variant of Uncertain Significance. Nucleotide substitutions within the consensus splice site are a relatively common cause of aberrant splicing (PMID: 17576681, 9536098). Algorithms developed to predict the effect of sequence changes on RNA splicing suggest that this variant is not likely to affect RNA splicing, but this prediction has not been confirmed by published transcriptional studies.

Literature cited by the submitters: PubMed 17576681; PubMed 9536098.